The following is an entry in ClinVar:

ClinVar aggregate classification (germline): Uncertain significance (1 of 4 stars; one submission).

Conditions:
Early-infantile DEE. Also called: Early infantile epileptic encephalopathy with suppression bursts; Ohtahara syndrome; Early infantile epileptic encephalopathy. Identifiers: Orphanet 1934, MedGen C0393706, MONDO:0800491.

Allele frequency attached by ClinVar (database versions not stated): TOPMed 0.00002; gnomAD exomes below 0.00001; gnomAD 0.00001.
gnomAD v4.1: 4 of 1,537,990 alleles (0.00026%); highest among the groups gnomAD compares: African/African-American, 0.0014%; no homozygotes.

Submission:

Labcorp Genetics (formerly Invitae), Labcorp
Classification: Uncertain significance for Early-infantile DEE. Last evaluated: 2025-02-07. Review status: criteria provided, single submitter. Criteria: Invitae Variant Classification Sherloc (09022015). Collection method: clinical testing. Allele origin: germline.
Comment: This sequence change replaces isoleucine, which is neutral and non-polar, with threonine, which is neutral and polar, at codon 53 of the KCNQ2 protein (p.Ile53Thr). This variant is not present in population databases (gnomAD no frequency). This variant has not been reported in the literature in individuals affected with KCNQ2-related conditions. ClinVar contains an entry for this variant (Variation ID: 639171). Invitae Evidence Modeling of protein sequence and biophysical properties (such as structural, functional, and spatial information, amino acid conservation, physicochemical variation, residue mobility, and thermodynamic stability) indicates that this missense variant is expected to disrupt KCNQ2 protein function with a positive predictive value of 95%. In summary, the available evidence is currently insufficient to determine the role of this variant in disease. Therefore, it has been classified as a Variant of Uncertain Significance.

NM_172107.4(KCNQ2):c.158T>C (p.Ile53Thr)

Gene: KCNQ2 (potassium voltage-gated channel subfamily Q member 2; minus strand). Cytogenetic location: 20q13.33.
Variant type: single nucleotide variant.
Coding change: c.158T>C on transcript NM_172107.4 (MANE Select); coding-DNA position 158, T replaced by C.
Protein change: p.Ile53Thr; replaces isoleucine 53 with threonine.
Molecular consequence: missense variant.
Genome position (GRCh38, 1-based): chr20:63,472,306, A>G on the plus strand (T>C on the coding strand, the complement: KCNQ2 is on the minus strand). VCF-style: chr20-63472306-A-G. GRCh37 (hg19) VCF-style: chr20-62103659-A-G.
Other names: c.158T>C, p.Ile53Thr (NM_004518.6, NM_172106.3, NM_172108.5 and 1 more transcripts); short protein forms I53T.
Identifiers: ClinVar variation 639171 (VCV000639171.9), dbSNP rs1038663676, ClinGen allele CA317423862.
Genomic context (GRCh38, chr20:63,472,306, plus strand): 5'-AAGGCGTTGCGCTTGGGGGGCTTCCCGGCGCCCGCGCCGCCCGCGCGAGGTTTGCTGAGG[A>G]TGCTGCCGCGCTTGGGGGCCTCGGAGCCGGCGATCAGCAGCGCCCCGTCCCGGGTGGAGT-3'
Protein context (NP_742105.1, residues 43-63): AGSEAPKRGS[Ile53Thr]LSKPRAGGAG